The following is an entry in ClinVar:

ClinVar aggregate classification (germline): Uncertain significance (1 of 4 stars; one submission).

Conditions:
Hereditary cancer-predisposing syndrome. Also called: Neoplastic Syndromes, Hereditary; Tumor predisposition; Hereditary neoplastic syndrome; Hereditary Cancer Syndrome. Identifiers: Orphanet 140162, MedGen C0027672, MeSH D009386, MONDO:0015356.

gnomAD v4.1: 1 of 1,613,582 alleles (0.000062%); highest among the groups gnomAD compares: Non-Finnish European, 0.000085%; no homozygotes.

Submission:

Ambry Genetics
Classification: Uncertain significance for Hereditary cancer-predisposing syndrome. Last evaluated: 2026-07-07. Review status: criteria provided, single submitter. Criteria: Ambry Variant Classification Scheme 2023. Collection method: clinical testing. Allele origin: germline.
Comment: The p.A127P variant (also known as c.379G>C), located in coding exon 3 of the PRKAR1A gene, results from a G to C substitution at nucleotide position 379. The alanine at codon 127 is replaced by proline, an amino acid with highly similar properties. This amino acid position is conserved. In addition, this alteration is predicted to be deleterious by in silico analysis. Based on the available evidence, the clinical significance of this variant remains unclear.

NM_002734.5(PRKAR1A):c.379G>C (p.Ala127Pro)

Gene: PRKAR1A (protein kinase cAMP-dependent type I regulatory subunit alpha; plus strand). Cytogenetic location: 17q24.2.
Variant type: single nucleotide variant.
Coding change: c.379G>C on transcript NM_002734.5 (MANE Select); coding-DNA position 379, G replaced by C.
Protein change: p.Ala127Pro; replaces alanine 127 with proline.
Molecular consequence: missense variant.
Genome position (GRCh38, 1-based): chr17:68,523,755, G>C. VCF-style: chr17-68523755-G-C. GRCh37 (hg19) VCF-style: chr17-66519896-G-C.
Other names: c.379G>C, p.Ala127Pro (NM_001276289.2, NM_001276290.1, NM_001278433.2 and 4 more transcripts); short protein forms A127P.
Identifiers: ClinVar variation 5027342 (VCV005027342.1).
Genomic context (GRCh38, chr17:68,523,755, plus strand): 5'-ATTGTCATTTGACCTTCAGTTCTTTTCTAGGTTATACCAAAAGATTACAAGACAATGGCC[G>C]CTTTAGCCAAAGCCATTGAAAAGAATGTGCTGTTTTCACATCTTGATGATAATGAGAGAA-3'
Protein context (NP_002725.1, residues 117-137): VIPKDYKTMA[Ala127Pro]LAKAIEKNVL